The following is an entry in ClinVar:

NM_000540.3(RYR1):c.1668G>A (p.Ser556=)

Gene: RYR1 (ryanodine receptor 1; plus strand). Cytogenetic location: 19q13.2.
Variant type: single nucleotide variant.
Coding change: c.1668G>A on transcript NM_000540.3 (MANE Select); coding-DNA position 1668, G replaced by A.
Protein change: p.Ser556=; no amino-acid change (serine 556 retained).
Molecular consequence: synonymous variant.
Genome position (GRCh38, 1-based): chr19:38,455,542, G>A. VCF-style: chr19-38455542-G-A. GRCh37 (hg19) VCF-style: chr19-38946182-G-A.
Other names: p.Ser556=; c.1668G>A, p.Ser556= (NM_001042723.2).
Identifiers: ClinVar variation 93258 (VCV000093258.60), dbSNP rs2288888, ClinGen allele CA024302.

ClinVar aggregate classification (germline): Benign. Review status: criteria provided, multiple submitters, no conflicts (2 of 4 stars). 23 submissions from 19 submitters: Benign (19). 4 of the submissions do not count toward it. Last evaluated 2026-02-04.

Conditions:
RYR1-related disorder. Also called: RYR1-related disorders; RYR1-related condition. Identifiers: MedGen CN239331.
Congenital multicore myopathy with external ophthalmoplegia (CMYO1B). Also called: MULTICORE MYOPATHY; Minicore myopathy with external ophthalmoplegia; MULTIMINICORE DISEASE WITH EXTERNAL OPHTHALMOPLEGIA; Congenital myopathy 1B, autosomal recessive; Minicore myopathy. Identifiers: Orphanet 598, Orphanet 98905, MedGen C1850674, MONDO:0009712, OMIM 255320, HP:0003789.
Congenital myopathy with fiber type disproportion. Also called: Congenital fiber-type disproportion myopathy; Congenital fiber-type disproportion. Identifiers: Orphanet 2020, MedGen C0546264, MONDO:0009711. Inheritance: all.
Malignant hyperthermia, susceptibility to, 1 (MHS1). Also called: RYR1-Related Malignant Hyperthermia Susceptibility; Anesthesia related hyperthermia; Malignant hyperpyrexia; Fulminating hyperpyrexia; Pharmacogenic myopathy; Malignant hyperthermia suceptibility 1. Identifiers: Orphanet 423, MedGen C2930980, MONDO:0007783, OMIM 145600.
King Denborough syndrome (KDS). Identifiers: MedGen C1840365, MONDO:0020485, OMIM 619542.
Central core myopathy (CMYO1A). Also called: CONGENITAL MYOPATHY 1A, AUTOSOMAL DOMINANT, WITH SUSCEPTIBILITY TO MALIGNANT HYPERTHERMIA; Central core disease; Myopathy, central fibrillar. Identifiers: Orphanet 597, MedGen C5830701, MONDO:0007294, OMIM 117000.

Allele frequency attached by ClinVar (database versions not stated): 1000 Genomes Project 0.57129; 1000 Genomes Project 30x 0.57292; ESP Exome Variant Server 0.63209; gnomAD 0.63615 and 0.64200; ExAC 0.63656; TOPMed 0.63795; gnomAD exomes 0.64201.
gnomAD v4.1: 1,053,946 of 1,613,334 alleles (65%); highest among the groups gnomAD compares: Middle Eastern, 70%; 347,615 homozygotes.

Submissions (23):

Labcorp Genetics (formerly Invitae), Labcorp
Classification: Benign for RYR1-related disorder. Last evaluated: 2026-02-04. Review status: criteria provided, single submitter. Criteria: Invitae Variant Classification Sherloc (09022015). Collection method: clinical testing. Allele origin: germline.

ARUP Laboratories, Molecular Genetics and Genomics, ARUP Laboratories
Classification: Benign. Last evaluated: 2025-07-15. Review status: criteria provided, single submitter. Criteria: ARUP Molecular Germline Variant Investigation Process 2024. Collection method: clinical testing. Allele origin: germline.

CeGaT Center for Human Genetics Tuebingen
Classification: Benign. Last evaluated: 2025-06-01. Review status: criteria provided, single submitter. Criteria: CeGaT Center For Human Genetics Tuebingen Variant Classification Criteria Version 2. Collection method: clinical testing. Allele origin: germline. Affected: yes. Observed: 11 variant alleles.
Comment: RYR1: BP4, BP7, BS1, BS2

Blueprint Genetics
Classification: Benign. Last evaluated: 2024-11-28. Review status: criteria provided, single submitter. Criteria: ACMG Guidelines, 2015. Collection method: clinical testing. Allele origin: germline.

Genome-Nilou Lab
Classification: Benign for Central core myopathy. Last evaluated: 2021-11-07. Review status: criteria provided, single submitter. Criteria: ACMG Guidelines, 2015. Collection method: clinical testing. Allele origin: germline. Affected: no.

Genome-Nilou Lab
Classification: Benign for King Denborough syndrome. Last evaluated: 2021-11-07. Review status: criteria provided, single submitter. Criteria: ACMG Guidelines, 2015. Collection method: clinical testing. Allele origin: germline. Affected: no.

Genome-Nilou Lab
Classification: Benign for Congenital multicore myopathy with external ophthalmoplegia. Last evaluated: 2021-11-07. Review status: criteria provided, single submitter. Criteria: ACMG Guidelines, 2015. Collection method: clinical testing. Allele origin: germline. Affected: no.

Fulgent Genetics
Classification: Benign for Central core myopathy; Malignant hyperthermia, susceptibility to, 1; Congenital myopathy 4A, autosomal dominant; Congenital multicore myopathy with external ophthalmoplegia; King Denborough syndrome. Last evaluated: 2021-08-11. Review status: criteria provided, single submitter. Criteria: ACMG Guidelines, 2015. Collection method: clinical testing. Allele origin: unknown.

Color Diagnostics, LLC DBA Color Health
Classification: Benign for Malignant hyperthermia, susceptibility to, 1. Last evaluated: 2019-03-29. Review status: criteria provided, single submitter. Criteria: ACMG Guidelines, 2015. Collection method: clinical testing. Allele origin: germline.

PreventionGenetics, part of Exact Sciences
Classification: Benign. Last evaluated: 2018-04-03. Review status: criteria provided, single submitter. Criteria: ACMG Guidelines, 2015. Collection method: clinical testing. Allele origin: germline.

Illumina Laboratory Services, Illumina
Classification: Benign for Congenital multicore myopathy with external ophthalmoplegia. Last evaluated: 2018-01-13. Review status: criteria provided, single submitter. Criteria: ICSL Variant Classification Criteria 13 December 2019. Collection method: clinical testing. Allele origin: germline.
Comment: This variant was observed in the ICSL laboratory as part of a predisposition screen in an ostensibly healthy population. It had not been previously curated by ICSL or reported in the Human Gene Mutation Database (HGMD: prior to June 1st, 2018), and was therefore a candidate for classification through an automated scoring system. Utilizing variant allele frequency, disease prevalence and penetrance estimates, and inheritance mode, an automated score was calculated to assess if this variant is too frequent to cause the disease. Based on the score and internal cut-off values, a variant classified as benign is not then subjected to further curation. The score for this variant resulted in a classification of benign for this disease.

Illumina Laboratory Services, Illumina
Classification: Benign for Malignant hyperthermia, susceptibility to, 1. Last evaluated: 2018-01-13. Review status: criteria provided, single submitter. Criteria: ICSL Variant Classification Criteria 13 December 2019. Collection method: clinical testing. Allele origin: germline.
Comment: the same text as in the submission from Illumina Laboratory Services, Illumina above.

Illumina Laboratory Services, Illumina
Classification: Benign for Central core myopathy. Last evaluated: 2018-01-13. Review status: criteria provided, single submitter. Criteria: ICSL Variant Classification Criteria 13 December 2019. Collection method: clinical testing. Allele origin: germline.
Comment: the same text as in the submission from Illumina Laboratory Services, Illumina above.

Mayo Clinic Laboratories, Mayo Clinic
Classification: Benign. Last evaluated: 2017-07-19. Review status: criteria provided, single submitter. Criteria: ACMG Guidelines, 2015. Collection method: clinical testing. Allele origin: germline. Observed: 700 variant alleles.

GeneDx
Classification: Benign. Last evaluated: 2015-11-23. Review status: criteria provided, single submitter. Criteria: GeneDx Variant Classification (06012015). Collection method: clinical testing. Allele origin: germline. Affected: yes.
Comment: This variant is considered likely benign or benign based on one or more of the following criteria: it is a conservative change, it occurs at a poorly conserved position in the protein, it is predicted to be benign by multiple in silico algorithms, and/or has population frequency not consistent with disease.

Laboratory for Molecular Medicine, Mass General Brigham Personalized Medicine
Classification: Benign. Last evaluated: 2015-01-13. Review status: criteria provided, single submitter. Criteria: LMM Criteria. Collection method: clinical testing. Allele origin: germline. Observed: 16 variant alleles.
Comment: p.Ser556Ser in exon 15 of RYR1: This variant is not expected to have clinical si gnificance because it does not alter an amino acid residue and is not located wi thin the splice consensus sequence. It has been identified in 44.6% (1965/4406) of African American chromosomes from a broad population by the NHLBI Exome Seque ncing Project (dbSNP rs2288888).

Eurofins Ntd Llc (ga)
Classification: Benign. Last evaluated: 2014-06-06. Review status: criteria provided, single submitter. Criteria: EGL Classification Definitions 2015. Collection method: clinical testing. Allele origin: germline. Observed: 50 variant alleles, 26 heterozygotes, 24 homozygotes.

Genetic Services Laboratory, University of Chicago
Classification: Benign. Last evaluated: 2013-08-15. Review status: criteria provided, single submitter. Criteria: ACMG Guidelines, 2007. Collection method: clinical testing. Allele origin: germline. Inheritance: Autosomal unknown.

Breakthrough Genomics
Classification: Benign. Review status: criteria provided, single submitter. Criteria: ACMG Guidelines, 2015. Collection method: not provided. Allele origin: germline. Inheritance: Autosomal recessive inheritance. Affected: yes.

Clinical Genetics, Academic Medical Center
Classification: Benign. Review status: no assertion criteria provided. Collection method: clinical testing. Allele origin: germline. Affected: yes. Study: VKGL Data-share Consensus. Not counted in ClinVar's aggregate classification.

Diagnostic Laboratory, Department of Genetics, University Medical Center Groningen
Classification: Benign. Review status: no assertion criteria provided. Collection method: clinical testing. Allele origin: germline. Affected: yes. Study: VKGL Data-share Consensus. Not counted in ClinVar's aggregate classification.

Joint Genome Diagnostic Labs from Nijmegen and Maastricht, Radboudumc and MUMC+
Classification: Benign. Review status: no assertion criteria provided. Collection method: clinical testing. Allele origin: germline. Affected: yes. Study: VKGL Data-share Consensus. Not counted in ClinVar's aggregate classification.

RYR1 database
No classification provided. Review status: no classification provided. Collection method: not provided. Allele origin: unknown. Not counted in ClinVar's aggregate classification.